The following is an entry in ClinVar:

ClinVar aggregate classification (germline): Uncertain significance. Review status: criteria provided, single submitter (1 of 4 stars). 2 submissions from 1 submitter: Uncertain significance (2). Last evaluated 2023-10-19.

Conditions:
Cortical dysplasia, complex, with other brain malformations 13. Also called: Intellectual disability, autosomal dominant 13. Identifiers: MedGen C3281202, MONDO:0013805, OMIM 614563.
Charcot-Marie-Tooth disease axonal type 2O. Also called: CHARCOT-MARIE-TOOTH NEUROPATHY, AXONAL, TYPE 2O; CHARCOT-MARIE-TOOTH DISEASE, AXONAL, AUTOSOMAL DOMINANT, TYPE 2O; Charcot-Marie-Tooth Neuropathy Type 2O; Charcot-Marie-Tooth disease, axonal, type 20. Identifiers: Orphanet 284232, MedGen C3280220, MONDO:0013644, OMIM 614228.

Allele frequency attached by ClinVar (database versions not stated): gnomAD exomes below 0.00001.
gnomAD v4.1: 1 of 1,613,896 alleles (0.000062%); no homozygotes.

Submissions (2):

Institute of Human Genetics, University of Leipzig Medical Center
Classification: Uncertain significance for Cortical dysplasia, complex, with other brain malformations 13. Last evaluated: 2023-10-19. Review status: criteria provided, single submitter. Criteria: ACMG Guidelines, 2015. Collection method: clinical testing. Allele origin: unknown. Inheritance: Autosomal dominant inheritance. Affected: yes.
Comment: Criteria applied: PM2_SUP,PP2

Institute of Human Genetics, University of Leipzig Medical Center
Classification: Uncertain significance for Charcot-Marie-Tooth disease axonal type 2O. Last evaluated: 2019-01-01. Review status: criteria provided, single submitter. Criteria: ACMG Guidelines, 2015. Collection method: clinical testing. Allele origin: unknown. Affected: yes.

NM_001376.5(DYNC1H1):c.8216C>T (p.Pro2739Leu)

Gene: DYNC1H1 (dynein cytoplasmic 1 heavy chain 1; plus strand). Cytogenetic location: 14q32.31.
Variant type: single nucleotide variant.
Coding change: c.8216C>T on transcript NM_001376.5 (MANE Select); coding-DNA position 8216, C replaced by T.
Protein change: p.Pro2739Leu; replaces proline 2739 with leucine.
Molecular consequence: missense variant.
Genome position (GRCh38, 1-based): chr14:102,018,489, C>T. VCF-style: chr14-102018489-C-T. GRCh37 (hg19) VCF-style: chr14-102484826-C-T.
Other names: short protein forms P2739L.
Identifiers: ClinVar variation 983088 (VCV000983088.2), dbSNP rs866647743, ClinGen allele CA266954854.
Genomic context (GRCh38, chr14:102,018,489, plus strand): 5'-GAGCGGGGCTATCTGTGCACAGGTTCCTGCGCCACGTGCCTGTCGTGTATGTGGATTACC[C>T]GGGCCCCGCCTCCCTCACACAGATCTACGGCACCTTCAACCGCGCCATGCTGAGGCTCAT-3'
Protein context (NP_001367.2, residues 2729-2749): RHVPVVYVDY[Pro2739Leu]GPASLTQIYG